The following is an entry in ClinVar:

NM_001371727.1(GABRB2):c.734T>G (p.Phe245Cys)

Gene: GABRB2 (gamma-aminobutyric acid type A receptor subunit beta2; minus strand). Cytogenetic location: 5q34.
Variant type: single nucleotide variant.
Coding change: c.734T>G on transcript NM_001371727.1 (MANE Select); coding-DNA position 734, T replaced by G.
Protein change: p.Phe245Cys; replaces phenylalanine 245 with cysteine.
Molecular consequence: missense variant.
Genome position (GRCh38, 1-based): chr5:161,334,850, A>C on the plus strand (T>G on the coding strand, the complement: GABRB2 is on the minus strand). VCF-style: chr5-161334850-A-C. GRCh37 (hg19) VCF-style: chr5-160761857-A-C.
Other names: c.734T>G, p.Phe245Cys (NM_000813.3, NM_021911.3); short protein forms F245C.
Identifiers: ClinVar variation 565916 (VCV000565916.9), dbSNP rs1561612106, ClinGen allele CA362171684.

ClinVar aggregate classification (germline): Uncertain significance (1 of 4 stars; one submission).

Conditions:
Intellectual disability. Also called: Intellectual developmental disorder; Intellectual functioning disability; intellectual disabilities. Identifiers: MedGen C3714756, MeSH D008607, MONDO:0001071, HP:0001249.

Submission:

Labcorp Genetics (formerly Invitae), Labcorp
Classification: Uncertain significance for Intellectual disability. Last evaluated: 2020-01-28. Review status: criteria provided, single submitter. Criteria: Invitae Variant Classification Sherloc (09022015). Collection method: clinical testing. Allele origin: germline.
Comment: This variant has not been reported in the literature in individuals with GABRB2-related disease. This variant is not present in population databases (ExAC no frequency). This sequence change replaces phenylalanine with cysteine at codon 245 of the GABRB2 protein (p.Phe245Cys). The phenylalanine residue is highly conserved and there is a large physicochemical difference between phenylalanine and cysteine. Algorithms developed to predict the effect of missense changes on protein structure and function (SIFT, PolyPhen-2, Align-GVGD) all suggest that this variant is likely to be disruptive, but these predictions have not been confirmed by published functional studies and their clinical significance is uncertain. In summary, the available evidence is currently insufficient to determine the role of this variant in disease. Therefore, it has been classified as a Variant of Uncertain Significance.